The following is an entry in ClinVar:

ClinVar aggregate classification (germline): Conflicting classifications of pathogenicity. Review status: criteria provided, conflicting classifications (1 of 4 stars). 6 submissions from 5 submitters: Uncertain significance (5); Likely benign (1). Last evaluated 2025-05-23.

Conditions:
LAMB2-related infantile-onset nephrotic syndrome. Also called: Nephrotic Syndrome, type 5; NEPHROTIC SYNDROME, TYPE 5, WITHOUT OCULAR ABNORMALITIES; NEPHROTIC SYNDROME, TYPE 5, WITH OCULAR ABNORMALITIES. Identifiers: Orphanet 306507, MedGen C3280113, MONDO:0013621, OMIM 614199.
Pierson syndrome. Also called: MICROCORIA-CONGENITAL NEPHROTIC SYNDROME. Identifiers: Orphanet 2670, MedGen C1836876, MONDO:0012184, OMIM 609049.
LAMB2-related disorder. Also called: LAMB2-related condition.

Allele frequency attached by ClinVar (database versions not stated): ExAC 0.00014; gnomAD exomes 0.00014; 1000 Genomes Project 30x 0.00016; 1000 Genomes Project 0.00020; ESP Exome Variant Server 0.00023; TOPMed 0.00032.
gnomAD v4.1: 92 of 1,614,206 alleles (0.0057%); highest among the groups gnomAD compares: East Asian, 0.13%; no homozygotes.

Submissions (6):

PreventionGenetics, part of Exact Sciences
Classification: Likely benign for LAMB2-related condition. Last evaluated: 2025-05-23. Review status: criteria provided, single submitter. Criteria: ACMG Guidelines, 2015. Collection method: clinical testing. Allele origin: germline.
Comment: This variant is classified as likely benign based on ACMG/AMP sequence variant interpretation guidelines (Richards et al. 2015 PMID: 25741868, with internal and published modifications).

Mayo Clinic Laboratories, Mayo Clinic
Classification: Uncertain significance. Last evaluated: 2025-01-14. Review status: criteria provided, single submitter. Criteria: ACMG Guidelines, 2015. Collection method: clinical testing. Allele origin: germline. Observed: 1 variant allele.
Comment: BP4

Labcorp Genetics (formerly Invitae), Labcorp
Classification: Uncertain significance for LAMB2-related infantile-onset nephrotic syndrome; Pierson syndrome. Last evaluated: 2024-06-26. Review status: criteria provided, single submitter. Criteria: Invitae Variant Classification Sherloc (09022015). Collection method: clinical testing. Allele origin: germline.
Comment: This sequence change replaces arginine, which is basic and polar, with histidine, which is basic and polar, at codon 95 of the LAMB2 protein (p.Arg95His). This variant is present in population databases (rs147691227, gnomAD 0.2%). This variant has not been reported in the literature in individuals affected with LAMB2-related conditions. ClinVar contains an entry for this variant (Variation ID: 583002). Algorithms developed to predict the effect of missense changes on protein structure and function output the following: SIFT: "Not Available"; PolyPhen-2: "Benign"; Align-GVGD: "Not Available". The histidine amino acid residue is found in multiple mammalian species, which suggests that this missense change does not adversely affect protein function. In summary, the available evidence is currently insufficient to determine the role of this variant in disease. Therefore, it has been classified as a Variant of Uncertain Significance.

Fulgent Genetics
Classification: Uncertain significance for Pierson syndrome; LAMB2-related infantile-onset nephrotic syndrome. Last evaluated: 2024-04-19. Review status: criteria provided, single submitter. Criteria: ACMG Guidelines, 2015. Collection method: clinical testing. Allele origin: germline.

Illumina Laboratory Services, Illumina
Classification: Uncertain significance for Pierson syndrome. Last evaluated: 2018-03-23. Review status: criteria provided, single submitter. Criteria: ICSL Variant Classification Criteria 13 December 2019. Collection method: clinical testing. Allele origin: germline.

Illumina Laboratory Services, Illumina
Classification: Uncertain significance for LAMB2-related infantile-onset nephrotic syndrome. Last evaluated: 2018-03-23. Review status: criteria provided, single submitter. Criteria: ICSL Variant Classification Criteria 13 December 2019. Collection method: clinical testing. Allele origin: germline.

NM_002292.4(LAMB2):c.284G>A (p.Arg95His)

Gene: LAMB2 (laminin subunit beta 2; minus strand). Cytogenetic location: 3p21.31.
Variant type: single nucleotide variant.
Coding change: c.284G>A on transcript NM_002292.4 (MANE Select); coding-DNA position 284, G replaced by A.
Protein change: p.Arg95His; replaces arginine 95 with histidine.
Molecular consequence: missense variant.
Genome position (GRCh38, 1-based): chr3:49,132,371, C>T on the plus strand (G>A on the coding strand, the complement: LAMB2 is on the minus strand). VCF-style: chr3-49132371-C-T. GRCh37 (hg19) VCF-style: chr3-49169804-C-T.
Other names: p.Arg95His; short protein forms R95H.
Identifiers: ClinVar variation 583002 (VCV000583002.13), dbSNP rs147691227, ClinGen allele CA2394970.
Genomic context (GRCh38, chr3:49,132,371, plus strand): 5'-AAGCTGGTGACTACATTCTGGATGCGATGGCTGTGTGGGTTGTCTCTAGCAGAGAAGGGG[C>T]GCCGGGAGTCACAAAGGAAGCACTTCTTTTCGTCCTGGGTTGGATGGGGATTAGAATCAG-3'
Protein context (NP_002283.3, residues 85-105): EKKCFLCDSR[Arg95His]PFSARDNPHS